The following is an entry in ClinVar:

ClinVar aggregate classification (germline): Uncertain significance (1 of 4 stars; one submission).

Conditions:
Hereditary cancer-predisposing syndrome. Also called: Neoplastic Syndromes, Hereditary; Hereditary Cancer Syndrome; Hereditary neoplastic syndrome; Tumor predisposition. Identifiers: Orphanet 140162, MedGen C0027672, MeSH D009386, MONDO:0015356.

Submission:

Ambry Genetics
Classification: Uncertain significance for Hereditary cancer-predisposing syndrome. Last evaluated: 2025-12-07. Review status: criteria provided, single submitter. Criteria: Ambry Variant Classification Scheme 2023. Collection method: clinical testing. Allele origin: germline.
Comment: The p.S717A variant (also known as c.2149T>G), located in coding exon 16 of the POLD1 gene, results from a T to G substitution at nucleotide position 2149. The serine at codon 717 is replaced by alanine, an amino acid with similar properties. This amino acid position is conserved. In addition, this alteration is predicted to be tolerated by in silico analysis. Since supporting evidence is limited at this time, the clinical significance of this alteration remains unclear.

NM_002691.4(POLD1):c.2149T>G (p.Ser717Ala)

Gene: POLD1 (DNA polymerase delta 1, catalytic subunit; plus strand). Cytogenetic location: 19q13.33.
Variant type: single nucleotide variant.
Coding change: c.2149T>G on transcript NM_002691.4 (MANE Select); coding-DNA position 2149, T replaced by G.
Protein change: p.Ser717Ala; replaces serine 717 with alanine.
Molecular consequence: missense variant. On other transcripts: non-coding transcript variant (1).
Genome position (GRCh38, 1-based): chr19:50,409,661, T>G. VCF-style: chr19-50409661-T-G. GRCh37 (hg19) VCF-style: chr19-50912918-T-G.
Other names: c.2149T>G, p.Ser717Ala (NM_001256849.1); c.2227T>G, p.Ser743Ala (NM_001308632.1); short protein forms S717A, S743A.
Identifiers: ClinVar variation 2560435 (VCV002560435.3), dbSNP rs2039024706, ClinGen allele CA406982731.